The following is an entry in ClinVar:

NM_032043.3(BRIP1):c.1341-17G>T

Gene: BRIP1 (BRCA1 interacting DNA helicase 1; minus strand). Cytogenetic location: 17q23.2.
Variant type: single nucleotide variant.
Coding change: c.1341-17G>T on transcript NM_032043.3 (MANE Select); 17 bases into the intron before coding-DNA position 1341, G replaced by T.
Molecular consequence: intron variant.
Genome position (GRCh38, 1-based): chr17:61,793,746, C>A on the plus strand (G>T on the coding strand, the complement: BRIP1 is on the minus strand). VCF-style: chr17-61793746-C-A. GRCh37 (hg19) VCF-style: chr17-59871107-C-A.
Identifiers: ClinVar variation 1583280 (VCV001583280.10), dbSNP rs2145245872, ClinGen allele CA2573154351.

ClinVar aggregate classification (germline): Likely benign. Review status: criteria provided, multiple submitters, no conflicts (2 of 4 stars). 2 submissions from 2 submitters: Likely benign (2). Last evaluated 2025-12-09.

Conditions:
Familial cancer of breast. Also called: BREAST CANCER, FAMILIAL; Hereditary breast cancer; hereditary breast carcinoma. Identifiers: Orphanet 227535, MedGen C0346153, MONDO:0016419, OMIM 114480. Disease mechanism: loss of function.
Fanconi anemia complementation group J. Also called: BRIP1-Related Fanconi Anemia. Identifiers: Orphanet 84, MedGen C1836860, MONDO:0012187, OMIM 609054.

Allele frequency attached by ClinVar (database versions not stated): gnomAD exomes below 0.00001.
gnomAD v4.1: 5 of 1,604,738 alleles (0.00031%); highest among the groups gnomAD compares: Non-Finnish European, 0.00034%; no homozygotes.

Submissions (2):

Labcorp Genetics (formerly Invitae), Labcorp
Classification: Likely benign for Familial cancer of breast; Fanconi anemia complementation group J. Last evaluated: 2025-12-09. Review status: criteria provided, single submitter. Criteria: Invitae Variant Classification Sherloc (09022015). Collection method: clinical testing. Allele origin: germline.

Myriad Genetics, Inc.
Classification: Likely benign for Familial cancer of breast. Last evaluated: 2024-08-27. Review status: criteria provided, single submitter. Criteria: Myriad Autosomal Dominant, Autosomal Recessive and X-Linked Classification Criteria (2023). Collection method: clinical testing. Allele origin: unknown.
Comment: This variant is considered likely benign. This variant is intronic and is not expected to impact mRNA splicing.